The following is an entry in ClinVar:

NM_001365999.1(SZT2):c.1334C>A (p.Ala445Glu)

Gene: SZT2 (SZT2 subunit of KICSTOR complex; plus strand). Cytogenetic location: 1p34.2.
Variant type: single nucleotide variant.
Coding change: c.1334C>A on transcript NM_001365999.1 (MANE Select); coding-DNA position 1334, C replaced by A.
Protein change: p.Ala445Glu; replaces alanine 445 with glutamic acid.
Molecular consequence: missense variant.
Genome position (GRCh38, 1-based): chr1:43,420,821, C>A. VCF-style: chr1-43420821-C-A. GRCh37 (hg19) VCF-style: chr1-43886492-C-A.
Other names: c.1334C>A, p.Ala445Glu (NM_015284.4); short protein forms A445E.
Identifiers: ClinVar variation 935532 (VCV000935532.9), dbSNP rs1357577737, ClinGen allele CA340007342.

ClinVar aggregate classification (germline): Uncertain significance (1 of 4 stars; one submission).

Allele frequency attached by ClinVar (database versions not stated): TOPMed below 0.00001; gnomAD 0.00001.
gnomAD v4.1: 1 of 1,598,338 alleles (0.000063%); highest among the groups gnomAD compares: African/African-American, 0.0013%; no homozygotes.

Submission:

Labcorp Genetics (formerly Invitae), Labcorp
Classification: Uncertain significance. Last evaluated: 2022-07-05. Review status: criteria provided, single submitter. Criteria: Invitae Variant Classification Sherloc (09022015). Collection method: clinical testing. Allele origin: germline.
Comment: In summary, the available evidence is currently insufficient to determine the role of this variant in disease. Therefore, it has been classified as a Variant of Uncertain Significance. Algorithms developed to predict the effect of missense changes on protein structure and function are either unavailable or do not agree on the potential impact of this missense change (SIFT: "Deleterious"; PolyPhen-2: "Probably Damaging"; Align-GVGD: "Class C0"). ClinVar contains an entry for this variant (Variation ID: 935532). This variant has not been reported in the literature in individuals affected with SZT2-related conditions. This variant is not present in population databases (gnomAD no frequency). This sequence change replaces alanine, which is neutral and non-polar, with glutamic acid, which is acidic and polar, at codon 445 of the SZT2 protein (p.Ala445Glu).